The following is an entry in ClinVar:

ClinVar aggregate classification (germline): Uncertain significance. Review status: criteria provided, multiple submitters, no conflicts (2 of 4 stars). 2 submissions from 2 submitters: Uncertain significance (2). Last evaluated 2022-05-16.

Conditions:
Inborn genetic diseases. Identifiers: MedGen C0950123, MeSH D030342.

Submissions (2):

Labcorp Genetics (formerly Invitae), Labcorp
Classification: Uncertain significance. Last evaluated: 2022-05-16. Review status: criteria provided, single submitter. Criteria: Invitae Variant Classification Sherloc (09022015). Collection method: clinical testing. Allele origin: germline.
Comment: This sequence change replaces threonine, which is neutral and polar, with methionine, which is neutral and non-polar, at codon 100 of the GRID2 protein (p.Thr100Met). This variant is present in population databases (rs200490934, gnomAD 0.06%). This variant has not been reported in the literature in individuals affected with GRID2-related conditions. Algorithms developed to predict the effect of missense changes on protein structure and function (SIFT, PolyPhen-2, Align-GVGD) all suggest that this variant is likely to be tolerated. In summary, the available evidence is currently insufficient to determine the role of this variant in disease. Therefore, it has been classified as a Variant of Uncertain Significance.

Ambry Genetics
Classification: Uncertain significance for Inborn genetic diseases. Last evaluated: 2021-08-30. Review status: criteria provided, single submitter. Criteria: Ambry Variant Classification Scheme 2023. Collection method: clinical testing. Allele origin: germline.

NM_001510.4(GRID2):c.299C>T (p.Thr100Met)

Gene: GRID2 (glutamate ionotropic receptor delta type subunit 2; plus strand). Cytogenetic location: 4q22.2.
Variant type: single nucleotide variant.
Coding change: c.299C>T on transcript NM_001510.4 (MANE Select); coding-DNA position 299, C replaced by T.
Protein change: p.Thr100Met; replaces threonine 100 with methionine.
Molecular consequence: missense variant. On other transcripts: intron variant (1).
Genome position (GRCh38, 1-based): chr4:93,085,049, C>T. VCF-style: chr4-93085049-C-T. GRCh37 (hg19) VCF-style: chr4-94006200-C-T.
Other names: c.245-25699C>T (NM_001286838.1); short protein forms T100M.
Identifiers: ClinVar variation 1981186 (VCV001981186.5), dbSNP rs200490934, ClinGen allele CA3011935.